The following is an entry in ClinVar:

NM_001270.4(CHD1):c.271C>T (p.Pro91Ser)

Gene: CHD1 (chromodomain helicase DNA binding protein 1; minus strand). Cytogenetic location: 5q21.1.
Variant type: single nucleotide variant.
Coding change: c.271C>T on transcript NM_001270.4 (MANE Select); coding-DNA position 271, C replaced by T.
Protein change: p.Pro91Ser; replaces proline 91 with serine.
Molecular consequence: missense variant. On other transcripts: non-coding transcript variant (2).
Genome position (GRCh38, 1-based): chr5:98,903,893, G>A on the plus strand (C>T on the coding strand, the complement: CHD1 is on the minus strand). VCF-style: chr5-98903893-G-A. GRCh37 (hg19) VCF-style: chr5-98239597-G-A.
Other names: c.271C>T, p.Pro91Ser (NM_001364113.3, NM_001376194.2); short protein forms P91S.
Identifiers: ClinVar variation 1031943 (VCV001031943.2), dbSNP rs747828889, ClinGen allele CA3356640.

ClinVar aggregate classification (germline): Uncertain significance. Review status: criteria provided, multiple submitters, no conflicts (2 of 4 stars). 2 submissions from 2 submitters: Uncertain significance (2). Last evaluated 2025-06-19.

Conditions:
Pilarowski-Bjornsson syndrome. Also called: DEVELOPMENTAL DELAY AND SPEECH APRAXIA WITH OR WITHOUT SEIZURES. Identifiers: Orphanet 529965, MedGen C4540131, MONDO:0060568, OMIM 617682.

Allele frequency attached by ClinVar (database versions not stated): TOPMed below 0.00001; gnomAD exomes 0.00001 and 0.00002; ExAC 0.00003.
gnomAD v4.1: 10 of 1,600,962 alleles (0.00062%); highest among the groups gnomAD compares: South Asian, 0.01%; no homozygotes.

Submissions (2):

Ambry Genetics
Classification: Uncertain significance. Last evaluated: 2025-06-19. Review status: criteria provided, single submitter. Criteria: Ambry Variant Classification Scheme 2023. Collection method: clinical testing. Allele origin: germline.

Baylor Genetics
Classification: Uncertain significance for Pilarowski-Bjornsson syndrome. Last evaluated: 2018-01-26. Review status: criteria provided, single submitter. Criteria: ACMG Guidelines, 2015. Collection method: clinical testing. Allele origin: maternal. Affected: yes.
Comment: This variant was determined to be of uncertain significance according to ACMG Guidelines, 2015 [PMID:25741868].